The following is an entry in ClinVar:

ClinVar aggregate classification (germline): Pathogenic. Review status: criteria provided, multiple submitters, no conflicts (2 of 4 stars). 2 submissions from 2 submitters: Pathogenic (2). Last evaluated 2023-12-26.

Conditions:
Pontocerebellar hypoplasia type 6 (PCH6). Identifiers: Orphanet 166073, MedGen C1969084, MONDO:0012683, OMIM 611523.

Allele frequency attached by ClinVar (database versions not stated): gnomAD exomes below 0.00001; gnomAD 0.00001.
gnomAD v4.1: 3 of 1,612,004 alleles (0.00019%); highest among the groups gnomAD compares: Admixed American, 0.0017%; no homozygotes.

Submissions (2):

Labcorp Genetics (formerly Invitae), Labcorp
Classification: Pathogenic. Last evaluated: 2023-12-26. Review status: criteria provided, single submitter. Criteria: Invitae Variant Classification Sherloc (09022015). Collection method: clinical testing. Allele origin: germline.
Comment: This sequence change creates a premature translational stop signal (p.Gln64*) in the RARS2 gene. It is expected to result in an absent or disrupted protein product. Loss-of-function variants in RARS2 are known to be pathogenic (PMID: 17847012, 22569581, 26083569). This variant is present in population databases (no rsID available, gnomAD 0.003%). This variant has not been reported in the literature in individuals affected with RARS2-related conditions. For these reasons, this variant has been classified as Pathogenic.

Clinical Genetics Service, Universitary Hospital 12 de Octubre
Classification: Pathogenic for Pontocerebellar hypoplasia type 6. Review status: criteria provided, single submitter. Criteria: ACMG Guidelines, 2015. Collection method: clinical testing. Allele origin: paternal. Affected: yes.

Literature cited by the submitters: PubMed 17847012 (cited by Labcorp Genetics (formerly Invitae), Labcorp); PubMed 22569581 (cited by Labcorp Genetics (formerly Invitae), Labcorp); PubMed 26083569 (cited by Labcorp Genetics (formerly Invitae), Labcorp).

NM_020320.5(RARS2):c.190C>T (p.Gln64Ter)

Gene: RARS2 (arginyl-tRNA synthetase 2, mitochondrial; minus strand). Cytogenetic location: 6q15.
Variant type: single nucleotide variant.
Coding change: c.190C>T on transcript NM_020320.5 (MANE Select); coding-DNA position 190, C replaced by T.
Protein change: p.Gln64Ter; replaces glutamine 64 with a stop codon.
Molecular consequence: nonsense. On other transcripts: 5 prime UTR variant (7), non-coding transcript variant (23).
Genome position (GRCh38, 1-based): chr6:87,564,153, G>A on the plus strand (C>T on the coding strand, the complement: RARS2 is on the minus strand). VCF-style: chr6-87564153-G-A. GRCh37 (hg19) VCF-style: chr6-88273871-G-A.
Other names: c.-280C>T (NM_001318785.2, NM_001350509.2); c.190C>T, p.Gln64Ter (NM_001350505.2); c.-336C>T (NM_001350506.2, NM_001350507.2, NM_001350510.2 and 1 more transcripts); c.-498C>T (NM_001350508.2); short protein forms Q64*.
Identifiers: ClinVar variation 2786932 (VCV002786932.4), dbSNP rs1047201601, ClinGen allele CA142877568.